The following is an entry in ClinVar:

NM_001080414.4(CCDC88C):c.3340C>T (p.Gln1114Ter)

Gene: CCDC88C (coiled-coil and HOOK domain protein 88C; minus strand). Cytogenetic location: 14q32.11.
Variant type: single nucleotide variant.
Coding change: c.3340C>T on transcript NM_001080414.4 (MANE Select); coding-DNA position 3340, C replaced by T.
Protein change: p.Gln1114Ter; replaces glutamine 1114 with a stop codon.
Molecular consequence: nonsense. On other transcripts: non-coding transcript variant (2).
Genome position (GRCh38, 1-based): chr14:91,305,782, G>A on the plus strand (C>T on the coding strand, the complement: CCDC88C is on the minus strand). VCF-style: chr14-91305782-G-A. GRCh37 (hg19) VCF-style: chr14-91772126-G-A.
Other names: short protein forms Q1114*.
Identifiers: ClinVar variation 5015780 (VCV005015780.1).

ClinVar aggregate classification (germline): Pathogenic (1 of 4 stars; one submission).

Conditions:
Hydrocephalus, nonsyndromic, autosomal recessive 1 (HYC1). Also called: Hydrocephalus, nonsyndromic, autosomal recessive; Congenital hydrocephalus 1. Identifiers: Orphanet 2185, MedGen C3887608, MONDO:0009360, OMIM 236600.

Submission:

Myriad Genetics, Inc.
Classification: Pathogenic for Hydrocephalus, nonsyndromic, autosomal recessive 1. Last evaluated: 2026-04-10. Review status: criteria provided, single submitter. Criteria: Myriad Autosomal Dominant, Autosomal Recessive and X-Linked Classification Criteria (2023). Collection method: clinical testing. Allele origin: unknown.
Comment: NM_001080414.3(CCDC88C):c.3340C>T(Q1114*) is expected to be pathogenic in the context of congenital hydrocephalus, CCDC88C-related. This variant is predicted to lead to an abnormal or absent protein product due to the creation of a premature termination codon in CCDC88C, a gene where loss-of-function variants are known to be pathogenic. Please note: this variant was assessed in the context of healthy population screening.